The following is an entry in ClinVar:

NM_001166108.2(PALLD):c.1965-12993A>G

Gene: PALLD (palladin, cytoskeletal associated protein; plus strand). Cytogenetic location: 4q32.3.
Variant type: single nucleotide variant.
Coding change: c.1965-12993A>G on transcript NM_001166108.2 (MANE Select); 12993 bases into the intron before coding-DNA position 1965, A replaced by G.
Molecular consequence: intron variant. On other transcripts: missense variant (1).
Genome position (GRCh38, 1-based): chr4:168,877,929, A>G. VCF-style: chr4-168877929-A-G. GRCh37 (hg19) VCF-style: chr4-169799080-A-G.
Other names: c.38A>G (NM_001166110.1); c.38A>G, p.Gln13Arg (NM_001166110.2); c.1965-12993A>G (NM_016081.4); c.819-12993A>G (NM_001166109.2); c.-157-12993A>G (NM_001367570.1, NM_001367568.1, NM_001367567.1 and 1 more transcripts); short protein forms Q13R.
Identifiers: ClinVar variation 3665162 (VCV003665162.3).
Genomic context (GRCh38, chr4:168,877,929, plus strand): 5'-CGCCGCCCGCGTCCCCGGAGCCCATGAGCGCGCTGGCCTCCCGCTCCGCCCCCGCCATGC[A>G]GTCCTCCGGCTCCTTCAACTACGCGCGCCCCAAGCAGTTCATCGCCGCGCAGAACCTCGG-3'

ClinVar aggregate classification (germline): Uncertain significance. Review status: criteria provided, multiple submitters, no conflicts (2 of 4 stars). 2 submissions from 2 submitters: Uncertain significance (2). Last evaluated 2025-10-27.

Conditions:
Pancreatic adenocarcinoma. Identifiers: MedGen C0281361, MONDO:0006047, HP:0006725.

gnomAD v4.1: 3 of 1,489,574 alleles (0.0002%); highest among the groups gnomAD compares: South Asian, 0.0037%; no homozygotes.

Submissions (2):

Labcorp Genetics (formerly Invitae), Labcorp
Classification: Uncertain significance for Pancreatic adenocarcinoma. Last evaluated: 2025-10-27. Review status: criteria provided, single submitter. Criteria: Invitae Variant Classification Sherloc (09022015). Collection method: clinical testing. Allele origin: germline.
Comment: This sequence change replaces glutamine, which is neutral and polar, with arginine, which is basic and polar, at codon 13 of the PALLD protein (p.Gln13Arg). The frequency data for this variant in the population databases is considered unreliable, as metrics indicate poor data quality at this position in the gnomAD database. This variant has not been reported in the literature in individuals affected with PALLD-related conditions. ClinVar contains an entry for this variant (Variation ID: 3665162). An algorithm developed to predict the effect of missense changes on protein structure and function (PolyPhen-2) suggests that this variant is likely to be tolerated. In summary, the available evidence is currently insufficient to determine the role of this variant in disease. Therefore, it has been classified as a Variant of Uncertain Significance.

Ambry Genetics
Classification: Uncertain significance. Last evaluated: 2025-04-25. Review status: criteria provided, single submitter. Criteria: Ambry Variant Classification Scheme 2023. Collection method: clinical testing. Allele origin: germline.
Comment: The p.Q13R variant (also known as c.38A>G), located in coding exon 1 of the PALLD gene, results from an A to G substitution at nucleotide position 38. The glutamine at codon 13 is replaced by arginine, an amino acid with highly similar properties. This amino acid position is conserved. In addition, this alteration is predicted to be tolerated by in silico analysis. Based on the available evidence, the clinical significance of this variant remains unclear.